The following is an entry in ClinVar:

ClinVar aggregate classification (germline): Uncertain significance (1 of 4 stars; one submission).

Conditions:
Cardiovascular phenotype. Identifiers: MedGen CN230736.

Allele frequency attached by ClinVar (database versions not stated): gnomAD exomes below 0.00001; gnomAD 0.00001; TOPMed 0.00001.
gnomAD v4.1: 2 of 1,611,800 alleles (0.00012%); highest among the groups gnomAD compares: Non-Finnish European, 0.00017%; no homozygotes.

Submission:

Ambry Genetics
Classification: Uncertain significance for Cardiovascular phenotype. Last evaluated: 2023-11-23. Review status: criteria provided, single submitter. Criteria: Ambry Variant Classification Scheme 2023. Collection method: clinical testing. Allele origin: germline.
Comment: The p.S1215F variant (also known as c.3644C>T), located in coding exon 8 of the TNXB gene, results from a C to T substitution at nucleotide position 3644. The serine at codon 1215 is replaced by phenylalanine, an amino acid with highly dissimilar properties. This amino acid position is conserved. In addition, this alteration is predicted to be tolerated by in silico analysis. Since supporting evidence is limited at this time, the clinical significance of this alteration remains unclear.

NM_001365276.2(TNXB):c.3644C>T (p.Ser1215Phe)

Gene: TNXB (tenascin XB; minus strand). Cytogenetic location: 6p21.33.
Variant type: single nucleotide variant.
Coding change: c.3644C>T on transcript NM_001365276.2 (MANE Select); coding-DNA position 3644, C replaced by T.
Protein change: p.Ser1215Phe; replaces serine 1215 with phenylalanine.
Molecular consequence: missense variant.
Genome position (GRCh38, 1-based): chr6:32,082,128, G>A on the plus strand (C>T on the coding strand, the complement: TNXB is on the minus strand). VCF-style: chr6-32082128-G-A. GRCh37 (hg19) VCF-style: chr6-32049905-G-A.
Other names: c.3644C>T, p.Ser1215Phe (NM_019105.8); short protein forms S1215F.
Identifiers: ClinVar variation 1733539 (VCV001733539.2), dbSNP rs1779497979, ClinGen allele CA363436690.